The following is an entry in ClinVar:

NM_001267550.2(TTN):c.64671G>A (p.Met21557Ile)

Genes: TTN (titin; minus strand), TTN-AS1 (TTN antisense RNA 1; plus strand). Cytogenetic location: 2q31.2.
Variant type: single nucleotide variant.
Coding change: c.64671G>A on transcript NM_001267550.2 (MANE Select); coding-DNA position 64671, G replaced by A.
Protein change: p.Met21557Ile; replaces methionine 21557 with isoleucine.
Molecular consequence: missense variant.
Genome position (GRCh38, 1-based): chr2:178,585,073, C>T on the plus strand (G>A on the coding strand, the complement: TTN is on the minus strand). VCF-style: chr2-178585073-C-T. GRCh37 (hg19) VCF-style: chr2-179449800-C-T.
Other names: c.59748G>A, p.Met19916Ile (NM_001256850.1); c.37476G>A, p.Met12492Ile (NM_003319.4); c.56967G>A, p.Met18989Ile (NM_133378.4); c.37851G>A, p.Met12617Ile (NM_133432.3); c.38052G>A, p.Met12684Ile (NM_133437.4); short protein forms M18989I, M21557I, M12617I, M12492I, M12684I, M19916I.
Identifiers: ClinVar variation 191921 (VCV000191921.4), dbSNP rs786205387, ClinGen allele CA237876.

ClinVar aggregate classification (germline): Uncertain significance. Review status: criteria provided, multiple submitters, no conflicts (2 of 4 stars). 2 submissions from 2 submitters: Uncertain significance (2). Last evaluated 2021-07-26.

Submissions (2):

Revvity Omics, Revvity
Classification: Uncertain significance. Last evaluated: 2021-07-26. Review status: criteria provided, single submitter. Criteria: ACMG Guidelines, 2015. Collection method: clinical testing. Allele origin: germline.

Biesecker Lab/Clinical Genomics Section, National Institutes of Health
Classification: Uncertain significance. Last evaluated: 2013-06-24. Review status: criteria provided, single submitter. Criteria: Ng et al. (Circ Cardiovasc Genet. 2013). Collection method: research. Allele origin: unknown. Observed: 1 variant allele. Study: ClinSeq.
Comment: The study set was not selected for affection status in relation to any cancer. Pathogenicity categories were based on literature curation. See Pubmed ID:23861362 for details.

Medical sequencing